The following is an entry in ClinVar:

ClinVar aggregate classification (germline): Uncertain significance (1 of 4 stars; one submission).

Conditions:
3-hydroxy-3-methylglutaryl-CoA synthase deficiency (HMGCS2D). Also called: MITOCHONDRIAL HMG-CoA SYNTHASE DEFICIENCY; HMG-CoA synthase-2 deficiency; HMGCS2 DEFICIENCY. Identifiers: Orphanet 35701, MedGen C2751532, MONDO:0011614, OMIM 605911.

gnomAD v4.1: 1 of 1,613,712 alleles (0.000062%); no homozygotes.

Submission:

Labcorp Genetics (formerly Invitae), Labcorp
Classification: Uncertain significance for 3-hydroxy-3-methylglutaryl-CoA synthase deficiency. Last evaluated: 2019-07-02. Review status: criteria provided, single submitter. Criteria: Invitae Variant Classification Sherloc (09022015). Collection method: clinical testing. Allele origin: germline.
Comment: Nucleotide substitutions within the consensus splice site are a relatively common cause of aberrant splicing (PMID: 17576681, 9536098). Algorithms developed to predict the effect of sequence changes on RNA splicing suggest that this variant is not likely to affect RNA splicing, but this prediction has not been confirmed by published transcriptional studies. This variant has not been reported in the literature in individuals with HMGCS2-related conditions. This variant is not present in population databases (ExAC no frequency). This sequence change falls in intron 2 of the HMGCS2 gene. It does not directly change the encoded amino acid sequence of the HMGCS2 protein, but it affects a nucleotide within the consensus splice site of the intron. In summary, the available evidence is currently insufficient to determine the role of this variant in disease. Therefore, it has been classified as a Variant of Uncertain Significance.

Literature cited by the submitters: PubMed 17576681; PubMed 9536098.

NM_005518.4(HMGCS2):c.560-3C>T

Gene: HMGCS2 (3-hydroxy-3-methylglutaryl-CoA synthase 2; minus strand). Cytogenetic location: 1p12.
Variant type: single nucleotide variant.
Coding change: c.560-3C>T on transcript NM_005518.4 (MANE Select); 3 bases into the intron before coding-DNA position 560, C replaced by T.
Molecular consequence: intron variant.
Genome position (GRCh38, 1-based): chr1:119,759,992, G>A on the plus strand (C>T on the coding strand, the complement: HMGCS2 is on the minus strand). VCF-style: chr1-119759992-G-A. GRCh37 (hg19) VCF-style: chr1-120302615-G-A.
Other names: c.560-710C>T (NM_001166107.1).
Identifiers: ClinVar variation 947924 (VCV000947924.9), dbSNP rs1652986854, ClinGen allele CA1139656296.